The following is an entry in ClinVar:

NM_004082.5(DCTN1):c.835G>A (p.Ala279Thr)

Gene: DCTN1 (dynactin subunit 1; minus strand). Cytogenetic location: 2p13.1.
Variant type: single nucleotide variant.
Coding change: c.835G>A on transcript NM_004082.5 (MANE Select); coding-DNA position 835, G replaced by A.
Protein change: p.Ala279Thr; replaces alanine 279 with threonine.
Molecular consequence: missense variant. On other transcripts: non-coding transcript variant (1).
Genome position (GRCh38, 1-based): chr2:74,370,987, C>T on the plus strand (G>A on the coding strand, the complement: DCTN1 is on the minus strand). VCF-style: chr2-74370987-C-T. GRCh37 (hg19) VCF-style: chr2-74598114-C-T.
Other names: c.775G>A, p.Ala259Thr (NM_001135040.3); c.433G>A, p.Ala145Thr (NM_001135041.3, NM_023019.4); c.724G>A, p.Ala242Thr (NM_001190836.2); c.814G>A, p.Ala272Thr (NM_001190837.2); c.784G>A, p.Ala262Thr (NM_001378991.1); c.766G>A, p.Ala256Thr (NM_001378992.1); short protein forms A259T, A272T, A279T, A242T, A145T, A256T, A262T.
Identifiers: ClinVar variation 841138 (VCV000841138.10), dbSNP rs1674798940, ClinGen allele CA347365769.

ClinVar aggregate classification (germline): Uncertain significance (1 of 4 stars; one submission).

Conditions:
Amyotrophic lateral sclerosis type 1 (ALS1). Also called: AMYOTROPHIC LATERAL SCLEROSIS 1, FAMILIAL. Identifiers: Orphanet 803, MedGen C1862939, MONDO:0007103, OMIM 105400.
Perry syndrome. Also called: PARKINSONISM WITH ALVEOLAR HYPOVENTILATION AND MENTAL DEPRESSION. Identifiers: Orphanet 178509, MedGen C1868594, MONDO:0008201, OMIM 168605.
Neuronopathy, distal hereditary motor, type 7B. Also called: NEURONOPATHY, DISTAL HEREDITARY MOTOR, AUTOSOMAL DOMINANT 14; NEURONOPATHY, DISTAL HEREDITARY MOTOR, HARDING TYPE VIIB; NEUROPATHY, DISTAL HEREDITARY MOTOR, HARDING TYPE VIIB; NEUROPATHY, DISTAL HEREDITARY MOTOR, WITH VOCAL CORD PARALYSIS, HARDING TYPE VIIB; HMN VIIB; LOWER MOTOR NEURON DISEASE, DYNACTIN TYPE. Identifiers: Orphanet 139589, MedGen C1843315, MONDO:0011879, OMIM 607641.

Submission:

Labcorp Genetics (formerly Invitae), Labcorp
Classification: Uncertain significance for Amyotrophic lateral sclerosis type 1; Neuronopathy, distal hereditary motor, type 7B; Perry syndrome. Last evaluated: 2019-11-28. Review status: criteria provided, single submitter. Criteria: Invitae Variant Classification Sherloc (09022015). Collection method: clinical testing. Allele origin: germline.
Comment: In summary, the available evidence is currently insufficient to determine the role of this variant in disease. Therefore, it has been classified as a Variant of Uncertain Significance. Algorithms developed to predict the effect of missense changes on protein structure and function (SIFT, PolyPhen-2, Align-GVGD) all suggest that this variant is likely to be disruptive, but these predictions have not been confirmed by published functional studies and their clinical significance is uncertain. This variant has not been reported in the literature in individuals with DCTN1-related conditions. This variant is not present in population databases (ExAC no frequency). This sequence change replaces alanine with threonine at codon 279 of the DCTN1 protein (p.Ala279Thr). The alanine residue is highly conserved and there is a small physicochemical difference between alanine and threonine.